The following is an entry in ClinVar:

ClinVar aggregate classification (germline): Uncertain significance (1 of 4 stars; one submission).

Conditions:
Cardiovascular phenotype. Identifiers: MedGen CN230736.

gnomAD v4.1: 1 of 1,612,406 alleles (0.000062%); no homozygotes.

Submission:

Molecular Diagnostic Laboratory for Inherited Cardiovascular Disease, Montreal Heart Institute
Classification: Uncertain significance for Cardiovascular phenotype. Last evaluated: 2025-04-09. Review status: criteria provided, single submitter. Criteria: ACMG Guidelines, 2015. Collection method: clinical testing. Allele origin: germline. Affected: yes.
Comment: PM2, BP1

NM_000302.4(PLOD1):c.1663G>A (p.Val555Ile)

Gene: PLOD1 (procollagen-lysine,2-oxoglutarate 5-dioxygenase 1; plus strand). Cytogenetic location: 1p36.22.
Variant type: single nucleotide variant.
Coding change: c.1663G>A on transcript NM_000302.4 (MANE Select); coding-DNA position 1663, G replaced by A.
Protein change: p.Val555Ile; replaces valine 555 with isoleucine.
Molecular consequence: missense variant.
Genome position (GRCh38, 1-based): chr1:11,966,999, G>A. VCF-style: chr1-11966999-G-A. GRCh37 (hg19) VCF-style: chr1-12027056-G-A.
Other names: c.1804G>A, p.Val602Ile (NM_001316320.2); short protein forms V555I, V602I.
Identifiers: ClinVar variation 3895426 (VCV003895426.1).